The following is an entry in ClinVar:

ClinVar aggregate classification (germline): Likely pathogenic (1 of 4 stars; one submission).

Conditions:
Dyskeratosis congenita, autosomal recessive 6 (DKCB6). Identifiers: MedGen C4225356, MONDO:0014600, OMIM 616353.

Submission:

Department of Pediatric Genetics, University of Health Sciences, Ankara Bilkent City Children’s Hospital
Classification: Likely pathogenic for Dyskeratosis congenita, autosomal recessive 6. Last evaluated: 2026-01-16. Review status: criteria provided, single submitter. Criteria: ACMG Guidelines, 2015. Collection method: clinical testing. Allele origin: biparental. Inheritance: Autosomal recessive inheritance. Affected: yes.
Comment: The c.620+48A>G variant in the PARN gene (NM_002582.4) is a noncoding variant and has not been previously reported in ClinVar. The allele frequency of this variant has not been reported, and it is absent from population databases such as gnomAD (PM2). cDNA analysis revealed aberrant splicing with a 43-bp downstream shift in approximately 90% of transcripts, providing strong functional evidence of a deleterious effect consistent with ACMG criterion PS3 (strong). The clinical findings in the affected individuals were consistent with dyskeratosis congenita (OMIM: 616353). In summary, based on the PM2 and PS3 (strong) criteria, this variant was classified as Likely Pathogenic according to ACMG guidelines (Richards et.all)

NM_002582.4(PARN):c.620+48A>G

Gene: PARN (poly(A)-specific ribonuclease; minus strand). Cytogenetic location: 16p13.12.
Variant type: single nucleotide variant.
Coding change: c.620+48A>G on transcript NM_002582.4 (MANE Select); 48 bases into the intron after coding-DNA position 620, A replaced by G.
Molecular consequence: intron variant.
Genome position (GRCh38, 1-based): chr16:14,609,010, T>C on the plus strand (A>G on the coding strand, the complement: PARN is on the minus strand). VCF-style: chr16-14609010-T-C. GRCh37 (hg19) VCF-style: chr16-14702867-T-C.
Other names: c.437+48A>G (NM_001134477.3); c.482+48A>G (NM_001242992.2).
Identifiers: ClinVar variation 4759340 (VCV004759340.1).